The following is an entry in ClinVar:

ClinVar aggregate classification (germline): Conflicting classifications of pathogenicity. Review status: criteria provided, conflicting classifications (1 of 4 stars). 14 submissions from 12 submitters: Uncertain significance (9); Likely benign (3). 2 of the submissions do not count toward it. Last evaluated 2026-02-01.

Conditions:
Multiple endocrine neoplasia type 2A. Also called: MULTIPLE ENDOCRINE NEOPLASIA, TYPE IIA; PTC SYNDROME; SIPPLE SYNDROME; MEN 2A; MEN-2A syndrome; Pheochromocytoma and amyloid producing medullary thyroid carcinoma. Identifiers: Orphanet 247698, Orphanet 653, MedGen C0025268, MeSH D018813, MONDO:0008234, OMIM 171400.
Pheochromocytoma. Also called: MAX-Related Hereditary Paraganglioma-Pheochromocytoma Syndrome. Identifiers: Orphanet 29072, MedGen C0031511, MONDO:0008233, OMIM 171300, HP:0002666.
Familial medullary thyroid carcinoma (MTC). Also called: Thyroid cancer, familial medullary; MTC, familial; Familial Medullary Thyroid Carcinoma (FMTC). Identifiers: Orphanet 653, Orphanet 99361, MedGen C1833921, MONDO:0007958, OMIM 155240.
Multiple endocrine neoplasia type 2B. Also called: MEN 2B; Multiple endocrine neoplasia, type 3; MULTIPLE ENDOCRINE NEOPLASIA, TYPE IIB; MUCOSAL NEUROMA SYNDROME; NEUROMATA, MUCOSAL, WITH ENDOCRINE TUMORS; WAGENMANN-FROBOESE SYNDROME. Identifiers: Orphanet 247709, Orphanet 653, MedGen C0025269, MeSH D018814, MONDO:0008082, OMIM 162300.
Hirschsprung disease, susceptibility to, 1 (HSCR1). Also called: RET-Related Hirschsprung Disease. Identifiers: Orphanet 388, MedGen C3888239, MONDO:0007723, OMIM 142623.
Hereditary cancer-predisposing syndrome. Also called: Neoplastic Syndromes, Hereditary; Tumor predisposition; Hereditary neoplastic syndrome; Hereditary Cancer Syndrome. Identifiers: Orphanet 140162, MedGen C0027672, MeSH D009386, MONDO:0015356.
Congenital central hypoventilation. Also called: Congenital Central Hypoventilation Syndrome. Identifiers: Orphanet 661, Orphanet 99803, MedGen C1275808, MONDO:0800031. Disease mechanism: gain of function.
Multiple endocrine neoplasia, type 2 (MEN2). Identifiers: Orphanet 653, MedGen C4048306, MONDO:0019003. Disease mechanism: gain of function.

Allele frequency attached by ClinVar (database versions not stated): gnomAD 0.00004; ExAC 0.00003; gnomAD exomes 0.00005; TOPMed 0.00005.
gnomAD v4.1: 76 of 1,613,786 alleles (0.0047%); highest among the groups gnomAD compares: Admixed American, 0.0067%; no homozygotes.

Submissions (14):

Labcorp Genetics (formerly Invitae), Labcorp
Classification: Uncertain significance for Multiple endocrine neoplasia, type 2. Last evaluated: 2026-02-01. Review status: criteria provided, single submitter. Criteria: Invitae Variant Classification Sherloc (09022015). Collection method: clinical testing. Allele origin: germline.
Comment: This sequence change replaces tyrosine, which is neutral and polar, with asparagine, which is neutral and polar, at codon 791 of the RET protein (p.Tyr791Asn). This variant is present in population databases (rs377767417, gnomAD 0.008%). This missense change has been observed in individual(s) with Hirschsprung disease and medullary thyroid cancer (PMID: 14557476, 17108762, 20013610, 23259706, 25425582, 26559152, 28946813). ClinVar contains an entry for this variant (Variation ID: 24939). An algorithm developed to predict the effect of missense changes on protein structure and function (PolyPhen-2) suggests that this variant is likely to be tolerated. In summary, the available evidence is currently insufficient to determine the role of this variant in disease. Therefore, it has been classified as a Variant of Uncertain Significance.

Women's Health and Genetics/Laboratory Corporation of America, LabCorp
Classification: Uncertain significance. Last evaluated: 2025-09-19. Review status: criteria provided, single submitter. Criteria: LabCorp Variant Classification Summary - May 2015. Collection method: clinical testing. Allele origin: germline.
Comment: Variant summary: RET c.2371T>A (p.Tyr791Asn) results in a non-conservative amino acid change in the encoded protein sequence. Algorithms developed to predict the effect of missense changes on protein structure and function all suggest that this variant is likely to be disruptive. The variant allele was found at a frequency of 4.8e-05 in 251120 control chromosomes. This frequency is not significantly higher than estimated for disease-causing variants in RET, allowing no conclusion about variant significance. c.2371T>A has been observed in individual(s) affected with Huntington disease, but in one family this variant is also present in unaffected family member (Ruiz-Ferrer_2006) while in another family one affected individual does not carry this variant (Luzon-Toro_2015). This variant has also been observed in individuals affected with breast cancer (de Oliveira_2022). To our knowledge, no experimental evidence demonstrating an impact on protein function has been reported. The following publications have been ascertained in the context of this evaluation (PMID: 21479187, 35957908, 35264596, 26559152, 17108762, 35534704). ClinVar contains an entry for this variant (Variation ID: 24939). Based on the evidence outlined above, the variant was classified as uncertain significance.

Color Diagnostics, LLC DBA Color Health
Classification: Uncertain significance for Multiple endocrine neoplasia, type 2. Last evaluated: 2025-06-02. Review status: criteria provided, single submitter. Criteria: ACMG Guidelines, 2015. Collection method: clinical testing. Allele origin: germline.
Comment: This missense variant replaces tyrosine with asparagine at codon 791 of the RET protein. Computational prediction suggests that this variant may have deleterious impact on protein structure and function. To our knowledge, functional studies have not been reported for this variant. This variant has been reported in two individuals affected with medullary thyroid carcinoma (PMID: 23259706, 28946813), one of these individuals also carried a known pathogenic variant in the RET gene that could explain the observed phenotype (PMID: 23259706). This variant has also been reported in individuals affected with Hirschsprung disease (PMID: 17108762, 26559152) and several unaffected individuals (PMID: 14557476, 20013610, 25425582). This variant has been identified in 13/282514 chromosomes in the general population by the Genome Aggregation Database (gnomAD). The available evidence is insufficient to determine the role of this variant in disease conclusively. Therefore, this variant is classified as a Variant of Uncertain Significance.

Fulgent Genetics
Classification: Uncertain significance for Hirschsprung disease, susceptibility to, 1; Familial medullary thyroid carcinoma; Multiple endocrine neoplasia type 2B; Pheochromocytoma; Multiple endocrine neoplasia type 2A. Last evaluated: 2024-05-24. Review status: criteria provided, single submitter. Criteria: ACMG Guidelines, 2015. Collection method: clinical testing. Allele origin: germline.

Blueprint Genetics
Classification: Likely benign. Last evaluated: 2023-10-18. Review status: criteria provided, single submitter. Criteria: ACMG Guidelines, 2015. Collection method: clinical testing. Allele origin: germline.

Baylor Genetics
Classification: Uncertain significance for Hirschsprung disease, susceptibility to, 1. Last evaluated: 2023-06-29. Review status: criteria provided, single submitter. Criteria: ACMG Guidelines, 2015. Collection method: clinical testing. Allele origin: unknown.

St. Jude Molecular Pathology, St. Jude Children's Research Hospital
Classification: Uncertain significance for Multiple endocrine neoplasia type 2A. Last evaluated: 2023-04-27. Review status: criteria provided, single submitter. Criteria: St. Jude Assertion Criteria 2020. Collection method: clinical testing. Allele origin: germline.
Comment: The RET c.2371T>A (p.Tyr791Asn) missense change has a maximum subpopulation frequency of 0.009% in gnomAD v2.1.1. The in silico tool REVEL predicts a deleterious effect on protein function, but this prediction has not been confirmed by functional studies. This variant has been reported in individuals with c-cell hyperplasia, medullary thyroid cancer, and Hirschsprung disease, but has also been reported in unaffected individuals (PMID: 14557476, 17108762, 25425582, 28946813). In summary, the evidence currently available is insufficient to determine the clinical significance of this variant. It has therefore been classified as of uncertain significance.

Myriad Genetics, Inc.
Classification: Likely benign for Multiple endocrine neoplasia type 2A. Last evaluated: 2023-04-18. Review status: criteria provided, single submitter. Criteria: Myriad Autosomal Dominant, Autosomal Recessive and X-Linked Classification Criteria (2023). Collection method: clinical testing. Allele origin: unknown.
Comment: This variant is considered likely benign. This variant has been observed at a population frequency that is significantly greater than expected given the associated disease prevalence and penetrance.

Ambry Genetics
Classification: Likely benign for Hereditary cancer-predisposing syndrome. Last evaluated: 2023-01-18. Review status: criteria provided, single submitter. Criteria: Ambry Variant Classification Scheme 2023. Collection method: clinical testing. Allele origin: germline.

Genetic Services Laboratory, University of Chicago
Classification: Uncertain significance. Last evaluated: 2021-12-01. Review status: criteria provided, single submitter. Criteria: ACMG Guidelines, 2015. Collection method: clinical testing. Allele origin: germline. Affected: no.
Comment: DNA sequence analysis of the RET gene demonstrated a sequence change, c.2371T>A, in exon 13 that results in an amino acid change, p.Tyr791Asn. This sequence change has been described in the gnomAD database with a frequency of 0.009% in the non-Finnish European subpopulation (dbSNP rs377767417). The p.Tyr791Asn change affects a highly conserved amino acid residue located in a domain of the RET protein that is known to be functional. The p.Tyr791Asn substitution appears to be deleterious using several in-silico pathogenicity prediction tools (SIFT, PolyPhen2, Align GVGD, REVEL). This sequence change has been previously described in individuals with medullary thyroid cancer and Hirschsprung disease as well as individuals without disease (PMID: 25425582, 20013610, 17108762, 21479187, 26559152, 14557476, 23259706, 28946813). Due to insufficient evidences and the lack of functional studies, the clinical significance of the p.Tyr791Asn change remains unknown at this time.

Fulgent Genetics
Classification: Uncertain significance for Hirschsprung disease, susceptibility to, 1; Familial medullary thyroid carcinoma; Multiple endocrine neoplasia type 2B; Pheochromocytoma; Multiple endocrine neoplasia type 2A; Central hypoventilation syndrome, congenital, 1, with or without Hirschsprung disease. Last evaluated: 2018-10-31. Review status: criteria provided, single submitter. Criteria: ACMG Guidelines, 2015. Collection method: clinical testing. Allele origin: unknown.

Mendelics
Classification: Uncertain significance for Multiple endocrine neoplasia, type 2a. Last evaluated: 2018-07-02. Review status: criteria provided, single submitter. Criteria: Mendelics Assertion Criteria 2017. Collection method: clinical testing. Allele origin: unknown.

Counsyl
Classification: Uncertain significance for Multiple endocrine neoplasia type 2B. Last evaluated: 2016-02-02. Review status: no assertion criteria provided. Collection method: clinical testing. Allele origin: unknown. Not counted in ClinVar's aggregate classification.

Counsyl
Classification: Uncertain significance for Multiple endocrine neoplasia type 2A. Last evaluated: 2016-02-02. Review status: no assertion criteria provided. Collection method: clinical testing. Allele origin: unknown. Not counted in ClinVar's aggregate classification.

Literature cited by the submitters: PubMed 14557476 (cited by 4 submitters); PubMed 17108762 (cited by 5 submitters); PubMed 20013610 (cited by 4 submitters); PubMed 23259706 (cited by 3 submitters); PubMed 25425582 (cited by Labcorp Genetics (formerly Invitae), Labcorp and Color Diagnostics, LLC DBA Color Health); PubMed 26559152 (cited by 4 submitters); PubMed 28946813 (cited by 3 submitters); PubMed 21479187 (cited by 3 submitters); PubMed 35264596 (cited by Women's Health and Genetics/Laboratory Corporation of America, LabCorp); PubMed 35534704 (cited by Women's Health and Genetics/Laboratory Corporation of America, LabCorp); PubMed 35957908 (cited by Women's Health and Genetics/Laboratory Corporation of America, LabCorp); PubMed 22584709 (cited by Ambry Genetics and Counsyl).

NM_020975.6(RET):c.2371T>A (p.Tyr791Asn)

Gene: RET (ret proto-oncogene; plus strand). Cytogenetic location: 10q11.21.
Variant type: single nucleotide variant.
Coding change: c.2371T>A on transcript NM_020975.6 (MANE Select); coding-DNA position 2371, T replaced by A.
Protein change: p.Tyr791Asn; replaces tyrosine 791 with asparagine.
Molecular consequence: missense variant.
Genome position (GRCh38, 1-based): chr10:43,118,459, T>A. VCF-style: chr10-43118459-T-A. GRCh37 (hg19) VCF-style: chr10-43613907-T-A.
Other names: c.2371T>A, p.Tyr791Asn (NM_000323.2, NM_001406743.1, NM_001406744.1 and 4 more transcripts); c.1609T>A, p.Tyr537Asn (NM_001355216.2); c.2242T>A, p.Tyr748Asn (NM_001406761.1, NM_001406762.1, NM_001406764.1); c.2236T>A, p.Tyr746Asn (NM_001406763.1, NM_001406765.1); c.2083T>A, p.Tyr695Asn (NM_001406766.1, NM_001406767.1, NM_001406770.1); c.1645T>A, p.Tyr549Asn (NM_001406777.1, NM_001406778.1, NM_001406775.1 and 1 more transcripts); c.1474T>A, p.Tyr492Asn (NM_001406779.1, NM_001406780.1, NM_001406781.1 and 1 more transcripts); c.1345T>A, p.Tyr449Asn (NM_001406783.1, NM_001406786.1); and 11 more; short protein forms Y537N, Y492N, Y616N, Y645N, Y748N, Y308N, Y447N, Y746N.
Identifiers: ClinVar variation 24939 (VCV000024939.31), dbSNP rs377767417, ClinGen allele CA008719.